The following is an entry in ClinVar:

ClinVar aggregate classification (germline): Uncertain significance (1 of 4 stars; one submission).

gnomAD v4.1: 1 of 1,190,310 alleles (0.000084%); highest among the groups gnomAD compares: Non-Finnish European, 0.00011%; no homozygotes.

Submission:

Labcorp Genetics (formerly Invitae), Labcorp
Classification: Uncertain significance. Last evaluated: 2025-11-23. Review status: criteria provided, single submitter. Criteria: Invitae Variant Classification Sherloc (09022015). Collection method: clinical testing. Allele origin: germline.
Comment: This sequence change falls in intron 11 of the SH3KBP1 gene. It does not directly change the encoded amino acid sequence of the SH3KBP1 protein. It affects a nucleotide within the consensus splice site. This variant is present in population databases (no rsID available, gnomAD 0.009%). This variant has not been reported in the literature in individuals affected with SH3KBP1-related conditions. Variants that disrupt the consensus splice site are a relatively common cause of aberrant splicing (PMID: 17576681, 9536098). Algorithms developed to predict the effect of sequence changes on RNA splicing suggest that this variant is not likely to affect RNA splicing. In summary, the available evidence is currently insufficient to determine the role of this variant in disease. Therefore, it has been classified as a Variant of Uncertain Significance.

Literature cited by the submitters: PubMed 17576681; PubMed 9536098.

NM_031892.3(SH3KBP1):c.1138+3A>G

Gene: SH3KBP1 (SH3 domain containing kinase binding protein 1; minus strand). Cytogenetic location: Xp22.12.
Variant type: single nucleotide variant.
Coding change: c.1138+3A>G on transcript NM_031892.3 (MANE Select); 3 bases into the intron after coding-DNA position 1138, A replaced by G.
Molecular consequence: intron variant.
Genome position (GRCh38, 1-based): chrX:19,592,064, T>C on the plus strand (A>G on the coding strand, the complement: SH3KBP1 is on the minus strand). VCF-style: chrX-19592064-T-C. GRCh37 (hg19) VCF-style: chrX-19610182-T-C.
Other names: c.1138+3A>G (NM_001353890.2); c.1213+3A>G (NM_001353892.2, NM_001353891.2); c.1270+3A>G (NM_001410757.1, NM_001410756.1); c.1036+3A>G (NM_001353894.2, NM_001353893.2); c.1093+3A>G (NM_001353895.2); c.961+3A>G (NM_001410758.1); c.1027+3A>G (NM_001024666.3); c.424+3A>G (NM_001353897.2, NM_001184960.2).
Identifiers: ClinVar variation 4779754 (VCV004779754.1).